The following is an entry in ClinVar:

ClinVar aggregate classification (germline): Likely benign. Review status: criteria provided, multiple submitters, no conflicts (2 of 4 stars). 4 submissions from 4 submitters: Likely benign (3). 1 of the submissions does not count toward it. Last evaluated 2025-10-14.

Conditions:
Inborn genetic diseases. Identifiers: MedGen C0950123, MeSH D030342.
NDRG1-related disorder. Also called: NDRG1-related condition.
Charcot-Marie-Tooth disease type 4. Also called: Charcot-Marie-Tooth disease, type IV; Charcot-Marie-Tooth, Type 4. Identifiers: Orphanet 64749, MedGen C4082197, MONDO:0018995.

Allele frequency attached by ClinVar (database versions not stated): ExAC 0.00002; gnomAD exomes 0.00002 and 0.00008; gnomAD 0.00003 and 0.00004; TOPMed 0.00003.
gnomAD v4.1: 118 of 1,614,232 alleles (0.0073%); highest among the groups gnomAD compares: Non-Finnish European, 0.0098%; no homozygotes.

Submissions (4):

Labcorp Genetics (formerly Invitae), Labcorp
Classification: Likely benign for Charcot-Marie-Tooth disease type 4. Last evaluated: 2025-10-14. Review status: criteria provided, single submitter. Criteria: Invitae Variant Classification Sherloc (09022015). Collection method: clinical testing. Allele origin: germline.

Ambry Genetics
Classification: Likely benign for Inborn genetic diseases. Last evaluated: 2019-07-11. Review status: criteria provided, single submitter. Criteria: Ambry Variant Classification Scheme 2023. Collection method: clinical testing. Allele origin: germline.

GeneDx
Classification: Likely benign. Last evaluated: 2017-04-20. Review status: criteria provided, single submitter. Criteria: GeneDx Variant Classification (06012015). Collection method: clinical testing. Allele origin: germline. Affected: yes.
Comment: This variant is considered likely benign or benign based on one or more of the following criteria: it is a conservative change, it occurs at a poorly conserved position in the protein, it is predicted to be benign by multiple in silico algorithms, and/or has population frequency not consistent with disease.

PreventionGenetics, part of Exact Sciences
Classification: Likely benign for NDRG1-related condition. Last evaluated: 2019-03-21. Review status: no assertion criteria provided. Collection method: clinical testing. Allele origin: germline. Not counted in ClinVar's aggregate classification.
Comment: This variant is classified as likely benign based on ACMG/AMP sequence variant interpretation guidelines (Richards et al. 2015 PMID: 25741868, with internal and published modifications).

NM_006096.4(NDRG1):c.129T>C (p.Ser43=)

Gene: NDRG1 (N-myc downstream regulated 1; minus strand). Cytogenetic location: 8q24.22.
Variant type: single nucleotide variant.
Coding change: c.129T>C on transcript NM_006096.4 (MANE Select); coding-DNA position 129, T replaced by C.
Protein change: p.Ser43=; no amino-acid change (serine 43 retained).
Molecular consequence: synonymous variant. On other transcripts: 5 prime UTR variant (2), intron variant (1).
Genome position (GRCh38, 1-based): chr8:133,264,623, A>G on the plus strand (T>C on the coding strand, the complement: NDRG1 is on the minus strand). VCF-style: chr8-133264623-A-G. GRCh37 (hg19) VCF-style: chr8-134276866-A-G.
Other names: c.129T>C, p.Ser43= (NM_001135242.2, NM_001374844.1, NM_001374845.1 and 1 more transcripts); c.-70T>C (NM_001258432.2, NM_001374847.1); c.-38-2456T>C (NM_001258433.2).
Identifiers: ClinVar variation 509042 (VCV000509042.15), dbSNP rs758024351, ClinGen allele CA4886877.